The following is an entry in ClinVar:

ClinVar aggregate classification (germline): Likely benign (1 of 4 stars; one submission).

Submission:

CeGaT Center for Human Genetics Tuebingen
Classification: Likely benign. Last evaluated: 2026-01-01. Review status: criteria provided, single submitter. Criteria: CeGaT Center For Human Genetics Tuebingen Variant Classification Criteria Version 2. Collection method: clinical testing. Allele origin: germline. Affected: yes. Observed: 1 variant allele.
Comment: SBF2: PM2:Supporting, BP4, BP7

NM_030962.4(SBF2):c.3930G>A (p.Leu1310=)

Gene: SBF2 (SET binding factor 2; minus strand). Cytogenetic location: 11p15.4.
Variant type: single nucleotide variant.
Coding change: c.3930G>A on transcript NM_030962.4 (MANE Select); coding-DNA position 3930, G replaced by A.
Protein change: p.Leu1310=; no amino-acid change (leucine 1310 retained).
Molecular consequence: synonymous variant.
Genome position (GRCh38, 1-based): chr11:9,816,888, C>T on the plus strand (G>A on the coding strand, the complement: SBF2 is on the minus strand). VCF-style: chr11-9816888-C-T. GRCh37 (hg19) VCF-style: chr11-9838435-C-T.
Other names: c.3966G>A, p.Leu1322= (NM_001425070.1, NM_001424318.1); c.3801G>A, p.Leu1267= (NM_001386342.1); c.3825G>A, p.Leu1275= (NM_001425069.1); c.4026G>A, p.Leu1342= (NM_001386339.1).
Identifiers: ClinVar variation 4822979 (VCV004822979.4).